The following is an entry in ClinVar:

NM_001017962.3(P4HA1):c.495G>A (p.Glu165=)

Gene: P4HA1 (prolyl 4-hydroxylase subunit alpha 1; minus strand). Cytogenetic location: 10q22.1.
Variant type: single nucleotide variant.
Coding change: c.495G>A on transcript NM_001017962.3 (MANE Select); coding-DNA position 495, G replaced by A.
Protein change: p.Glu165=; no amino-acid change (glutamic acid 165 retained).
Molecular consequence: synonymous variant.
Genome position (GRCh38, 1-based): chr10:73,053,559, C>T on the plus strand (G>A on the coding strand, the complement: P4HA1 is on the minus strand). VCF-style: chr10-73053559-C-T. GRCh37 (hg19) VCF-style: chr10-74813317-C-T.
Other names: c.495G>A, p.Glu165= (NM_000917.4, NM_001142595.2, NM_001142596.2).
Identifiers: ClinVar variation 3058135 (VCV003058135.2), dbSNP rs200307011, ClinGen allele CA5551714.

ClinVar aggregate classification (germline): Likely benign (0 of 4 stars; one submission).

Conditions:
P4HA1-related disorder. Also called: P4HA1-related condition.

Allele frequency attached by ClinVar (database versions not stated): ExAC 0.00004; gnomAD 0.00004; TOPMed 0.00004; gnomAD exomes 0.00008.
gnomAD v4.1: 120 of 1,613,798 alleles (0.0074%); highest among the groups gnomAD compares: Admixed American, 0.012%; no homozygotes.

Submission:

PreventionGenetics, part of Exact Sciences
Classification: Likely benign for P4HA1-related condition. Last evaluated: 2019-04-16. Review status: no assertion criteria provided. Collection method: clinical testing. Allele origin: germline.
Comment: This variant is classified as likely benign based on ACMG/AMP sequence variant interpretation guidelines (Richards et al. 2015 PMID: 25741868, with internal and published modifications).